The following is an entry in ClinVar:

ClinVar aggregate classification (germline): Uncertain significance. Review status: criteria provided, multiple submitters, no conflicts (2 of 4 stars). 2 submissions from 2 submitters: Uncertain significance (2). Last evaluated 2021-04-27.

Conditions:
Hereditary cancer-predisposing syndrome. Also called: Neoplastic Syndromes, Hereditary; Tumor predisposition; Hereditary neoplastic syndrome; Hereditary Cancer Syndrome. Identifiers: Orphanet 140162, MedGen C0027672, MeSH D009386, MONDO:0015356.
Fanconi anemia complementation group J. Also called: BRIP1-Related Fanconi Anemia. Identifiers: Orphanet 84, MedGen C1836860, MONDO:0012187, OMIM 609054.
Familial cancer of breast. Also called: BREAST CANCER, FAMILIAL; Hereditary breast cancer; hereditary breast carcinoma. Identifiers: Orphanet 227535, MedGen C0346153, MONDO:0016419, OMIM 114480. Disease mechanism: loss of function.

Submissions (2):

Labcorp Genetics (formerly Invitae), Labcorp
Classification: Uncertain significance for Familial cancer of breast; Fanconi anemia complementation group J. Last evaluated: 2021-04-27. Review status: criteria provided, single submitter. Criteria: Invitae Variant Classification Sherloc (09022015). Collection method: clinical testing. Allele origin: germline.
Comment: Algorithms developed to predict the effect of missense changes on protein structure and function (SIFT, PolyPhen-2, Align-GVGD) all suggest that this variant is likely to be tolerated, but these predictions have not been confirmed by published functional studies and their clinical significance is uncertain. In summary, the available evidence is currently insufficient to determine the role of this variant in disease. Therefore, it has been classified as a Variant of Uncertain Significance. This variant has not been reported in the literature in individuals with BRIP1-related conditions. This variant is not present in population databases (ExAC no frequency). This sequence change replaces tyrosine with histidine at codon 916 of the BRIP1 protein (p.Tyr916His). The tyrosine residue is weakly conserved and there is a moderate physicochemical difference between tyrosine and histidine.

Ambry Genetics
Classification: Uncertain significance for Hereditary cancer-predisposing syndrome. Last evaluated: 2019-09-04. Review status: criteria provided, single submitter. Criteria: Ambry Variant Classification Scheme 2023. Collection method: clinical testing. Allele origin: germline.
Comment: The p.Y916H variant (also known as c.2746T>C), located in coding exon 18 of the BRIP1 gene, results from a T to C substitution at nucleotide position 2746. The tyrosine at codon 916 is replaced by histidine, an amino acid with similar properties. This amino acid position is poorly conserved in available vertebrate species. In addition, this alteration is predicted to be tolerated by in silico analysis. Since supporting evidence is limited at this time, the clinical significance of this alteration remains unclear.

NM_032043.3(BRIP1):c.2746T>C (p.Tyr916His)

Gene: BRIP1 (BRCA1 interacting DNA helicase 1; minus strand). Cytogenetic location: 17q23.2.
Variant type: single nucleotide variant.
Coding change: c.2746T>C on transcript NM_032043.3 (MANE Select); coding-DNA position 2746, T replaced by C.
Protein change: p.Tyr916His; replaces tyrosine 916 with histidine.
Molecular consequence: missense variant.
Genome position (GRCh38, 1-based): chr17:61,685,995, A>G on the plus strand (T>C on the coding strand, the complement: BRIP1 is on the minus strand). VCF-style: chr17-61685995-A-G. GRCh37 (hg19) VCF-style: chr17-59763356-A-G.
Other names: short protein forms Y916H.
Identifiers: ClinVar variation 1488312 (VCV001488312.11), dbSNP rs2144112786, ClinGen allele CA400481617.